The following is an entry in ClinVar:

NM_001197104.2(KMT2A):c.10984A>G (p.Ser3662Gly)

Gene: KMT2A (lysine methyltransferase 2A; plus strand). Cytogenetic location: 11q23.3.
Variant type: single nucleotide variant.
Coding change: c.10984A>G on transcript NM_001197104.2 (MANE Select); coding-DNA position 10984, A replaced by G.
Protein change: p.Ser3662Gly; replaces serine 3662 with glycine.
Molecular consequence: missense variant.
Genome position (GRCh38, 1-based): chr11:118,510,031, A>G. VCF-style: chr11-118510031-A-G. GRCh37 (hg19) VCF-style: chr11-118380746-A-G.
Other names: c.10975A>G, p.Ser3659Gly (NM_005933.4); short protein forms S3659G, S3662G.
Identifiers: ClinVar variation 1335087 (VCV001335087.41), dbSNP rs201724738, ClinGen allele CA6304879.

ClinVar aggregate classification (germline): Uncertain significance. Review status: criteria provided, multiple submitters, no conflicts (2 of 4 stars). 2 submissions from 2 submitters: Uncertain significance (2). Last evaluated 2025-10-28.

Allele frequency attached by ClinVar (database versions not stated): TOPMed 0.00002; gnomAD 0.00003 and 0.00004; gnomAD exomes 0.00003 and 0.00006; ExAC 0.00007; ESP Exome Variant Server 0.00008.
gnomAD v4.1: 45 of 1,613,852 alleles (0.0028%); highest among the groups gnomAD compares: Non-Finnish European, 0.0036%; no homozygotes.

Submissions (2):

Labcorp Genetics (formerly Invitae), Labcorp
Classification: Uncertain significance. Last evaluated: 2025-10-28. Review status: criteria provided, single submitter. Criteria: Invitae Variant Classification Sherloc (09022015). Collection method: clinical testing. Allele origin: germline.
Comment: This sequence change replaces serine, which is neutral and polar, with glycine, which is neutral and non-polar, at codon 3662 of the KMT2A protein (p.Ser3662Gly). This variant is present in population databases (rs201724738, gnomAD 0.009%). This variant has not been reported in the literature in individuals affected with KMT2A-related conditions. ClinVar contains an entry for this variant (Variation ID: 1335087). Invitae Evidence Modeling of protein sequence and biophysical properties (such as structural, functional, and spatial information, amino acid conservation, physicochemical variation, residue mobility, and thermodynamic stability) indicates that this missense variant is not expected to disrupt KMT2A protein function with a negative predictive value of 95%. In summary, the available evidence is currently insufficient to determine the role of this variant in disease. Therefore, it has been classified as a Variant of Uncertain Significance.

CeGaT Center for Human Genetics Tuebingen
Classification: Uncertain significance. Last evaluated: 2021-10-01. Review status: criteria provided, single submitter. Criteria: CeGaT Center For Human Genetics Tuebingen Variant Classification Criteria Version 2. Collection method: clinical testing. Allele origin: germline. Affected: yes. Observed: 1 variant allele.